The following is an entry in ClinVar:

NM_003285.3(TNR):c.201C>T (p.His67=)

Gene: TNR (tenascin R; minus strand). Cytogenetic location: 1q25.1.
Variant type: single nucleotide variant.
Coding change: c.201C>T on transcript NM_003285.3 (MANE Select); coding-DNA position 201, C replaced by T.
Protein change: p.His67=; no amino-acid change (histidine 67 retained).
Molecular consequence: synonymous variant. On other transcripts: 5 prime UTR variant (1).
Genome position (GRCh38, 1-based): chr1:175,406,514, G>A on the plus strand (C>T on the coding strand, the complement: TNR is on the minus strand). VCF-style: chr1-175406514-G-A. GRCh37 (hg19) VCF-style: chr1-175375650-G-A.
Other names: c.-695C>T (NM_001328635.2).
Identifiers: ClinVar variation 4872744 (VCV004872744.2).

ClinVar aggregate classification (germline): Likely benign (1 of 4 stars; one submission).

gnomAD v4.1: 20 of 1,614,064 alleles (0.0012%); highest among the groups gnomAD compares: African/African-American, 0.016%; no homozygotes.

Submission:

CeGaT Center for Human Genetics Tuebingen
Classification: Likely benign. Last evaluated: 2026-05-01. Review status: criteria provided, single submitter. Criteria: CeGaT Center For Human Genetics Tuebingen Variant Classification Criteria Version 2. Collection method: clinical testing. Allele origin: germline. Affected: yes. Observed: 1 variant allele.
Comment: TNR: BP4, BP7